The following is an entry in ClinVar:

NM_000019.4(ACAT1):c.43C>T (p.Arg15Cys)

Gene: ACAT1 (acetyl-CoA acetyltransferase 1; plus strand). Cytogenetic location: 11q22.3.
Variant type: single nucleotide variant.
Coding change: c.43C>T on transcript NM_000019.4 (MANE Select); coding-DNA position 43, C replaced by T.
Protein change: p.Arg15Cys; replaces arginine 15 with cysteine.
Molecular consequence: missense variant. On other transcripts: 5 prime UTR variant (3), non-coding transcript variant (2), intron variant (2).
Genome position (GRCh38, 1-based): chr11:108,121,649, C>T. VCF-style: chr11-108121649-C-T. GRCh37 (hg19) VCF-style: chr11-107992376-C-T.
Other names: c.43C>T, p.Arg15Cys (NM_001386677.1, NM_001386678.1); c.-235C>T (NM_001386679.1); c.-322C>T (NM_001386685.1); c.-327C>T (NM_001386686.1); c.-416+4747C>T (NM_001386682.1); c.-199+4747C>T (NM_001386681.1); short protein forms R15C.
Identifiers: ClinVar variation 1467232 (VCV001467232.5), dbSNP rs757688736, ClinGen allele CA6262986.

ClinVar aggregate classification (germline): Uncertain significance (1 of 4 stars; one submission).

Conditions:
Deficiency of acetyl-CoA acetyltransferase. Also called: 3-KETOTHIOLASE DEFICIENCY; 3-OXOTHIOLASE DEFICIENCY; MITOCHONDRIAL ACETOACETYL-CoA THIOLASE DEFICIENCY; Beta-ketothiolase deficiency. Identifiers: Orphanet 134, MedGen C1536500, MONDO:0008760, OMIM 203750. Disease mechanism: loss of function.

Allele frequency attached by ClinVar (database versions not stated): gnomAD exomes 0.00001; ExAC 0.00007.
gnomAD v4.1: 17 of 1,550,332 alleles (0.0011%); highest among the groups gnomAD compares: Non-Finnish European, 0.0015%; no homozygotes.

Submission:

Labcorp Genetics (formerly Invitae), Labcorp
Classification: Uncertain significance for Deficiency of acetyl-CoA acetyltransferase. Last evaluated: 2021-09-24. Review status: criteria provided, single submitter. Criteria: Invitae Variant Classification Sherloc (09022015). Collection method: clinical testing. Allele origin: germline.
Comment: This sequence change replaces arginine with cysteine at codon 15 of the ACAT1 protein (p.Arg15Cys). The arginine residue is weakly conserved and there is a large physicochemical difference between arginine and cysteine. The frequency data for this variant in the population databases is considered unreliable, as metrics indicate poor data quality at this position in the ExAC database. This variant has not been reported in the literature in individuals with ACAT1-related conditions. Advanced modeling of protein sequence and biophysical properties (such as structural, functional, and spatial information, amino acid conservation, physicochemical variation, residue mobility, and thermodynamic stability) performed at Invitae indicates that this missense variant is not expected to disrupt ACAT1 protein function. In summary, the available evidence is currently insufficient to determine the role of this variant in disease. Therefore, it has been classified as a Variant of Uncertain Significance.